The following is an entry in ClinVar:

NM_003846.3(PEX11B):c.277C>T (p.Arg93Ter)

Gene: PEX11B (peroxisomal biogenesis factor 11 beta; minus strand). Cytogenetic location: 1q21.1.
Variant type: single nucleotide variant.
Coding change: c.277C>T on transcript NM_003846.3 (MANE Select); coding-DNA position 277, C replaced by T.
Protein change: p.Arg93Ter; replaces arginine 93 with a stop codon.
Molecular consequence: nonsense. On other transcripts: non-coding transcript variant (3).
Genome position (GRCh38, 1-based): chr1:145,916,914, G>A on the plus strand (C>T on the coding strand, the complement: PEX11B is on the minus strand). VCF-style: chr1-145916914-G-A. GRCh37 (hg19) VCF-style: chr1-145518175-C-T.
Other names: c.235C>T, p.Arg79Ter (NM_001184795.1); short protein forms R93*, R79*.
Identifiers: ClinVar variation 453306 (VCV000453306.10), dbSNP rs781939614, ClinGen allele CA1055560.

ClinVar aggregate classification (germline): Pathogenic/Likely pathogenic. Review status: criteria provided, multiple submitters, no conflicts (2 of 4 stars). 6 submissions from 6 submitters: Pathogenic (4); Likely pathogenic (1). 1 of the submissions does not count toward it. Last evaluated 2026-06-22.

Conditions:
Peroxisome biogenesis disorder. Identifiers: Orphanet 79189, MedGen C1832200, MONDO:0019234. Disease mechanism: loss of function.
Peroxisome biogenesis disorder 14B (PEX14B). Identifiers: Orphanet 44, MedGen C3554055, MONDO:0013967, OMIM 614920.

Allele frequency attached by ClinVar (database versions not stated): ExAC 0.00001; gnomAD exomes below 0.00001; gnomAD 0.00003 and 0.00004; TOPMed 0.00001.

Submissions (6):

Women's Health and Genetics/Laboratory Corporation of America, LabCorp
Classification: Pathogenic for Peroxisome biogenesis disorder. Last evaluated: 2026-06-22. Review status: criteria provided, single submitter. Criteria: LabCorp Variant Classification Summary - May 2015. Collection method: clinical testing. Allele origin: germline.
Comment: Variant summary: PEX11B c.277C>T (p.Arg93X) results in a premature termination codon, predicted to cause a truncation of the encoded protein or absence of the protein due to nonsense mediated decay, which are commonly known mechanisms for disease. The variant allele was found at a frequency of 4e-06 in 251492 control chromosomes (gnomAD). c.277C>T has been observed in individuals affected with Peroxisome Biogenesis Disorders, Zellweger Syndrome Spectrum (e.g. Tian_2020). These data indicate that the variant is likely to be associated with disease. The following publication has been ascertained in the context of this evaluation (PMID: 31724321). ClinVar contains an entry for this variant (Variation ID: 453306). Based on the evidence outlined above, the variant was classified as pathogenic.

Labcorp Genetics (formerly Invitae), Labcorp
Classification: Pathogenic. Last evaluated: 2025-12-01. Review status: criteria provided, single submitter. Criteria: Invitae Variant Classification Sherloc (09022015). Collection method: clinical testing. Allele origin: germline.
Comment: This sequence change creates a premature translational stop signal (p.Arg93*) in the PEX11B gene. It is expected to result in an absent or disrupted protein product. Loss-of-function variants in PEX11B are known to be pathogenic (PMID: 22581968, 26233629, 28129423). This variant is present in population databases (rs781939614, gnomAD 0.0009%). This premature translational stop signal has been observed in individual(s) with clinical features of Zellweger spectrum disorder (PMID: 26233629, 31724321). ClinVar contains an entry for this variant (Variation ID: 453306). Algorithms developed to predict the effect of sequence changes on RNA splicing suggest that this variant may disrupt the consensus splice site. For these reasons, this variant has been classified as Pathogenic.

Fulgent Genetics
Classification: Pathogenic for Peroxisome biogenesis disorder 14B. Last evaluated: 2024-05-04. Review status: criteria provided, single submitter. Criteria: ACMG Guidelines, 2015. Collection method: clinical testing. Allele origin: germline.

Eurofins Ntd Llc (ga)
Classification: Likely pathogenic. Last evaluated: 2017-09-18. Review status: criteria provided, single submitter. Criteria: EGL Classification Definitions 2015. Collection method: clinical testing. Allele origin: germline. Observed: 1 variant allele, 1 heterozygote.

Undiagnosed Diseases Network, NIH
Classification: Pathogenic for Peroxisome biogenesis disorder 14B. Last evaluated: 2016-06-26. Review status: criteria provided, single submitter. Criteria: ACMG Guidelines, 2015. Collection method: clinical testing. Allele origin: de novo. Affected: yes. Observed: 1 compound heterozygote.

OMIM
Classification: Pathogenic for PEROXISOME BIOGENESIS DISORDER 14B. Last evaluated: 2020-11-11. Review status: no assertion criteria provided. Collection method: literature only. Allele origin: germline. Not counted in ClinVar's aggregate classification.

Literature cited by the submitters: PubMed 31724321 (cited by 3 submitters); PubMed 22581968 (cited by Labcorp Genetics (formerly Invitae), Labcorp); PubMed 26233629 (cited by Labcorp Genetics (formerly Invitae), Labcorp); PubMed 28129423 (cited by Labcorp Genetics (formerly Invitae), Labcorp).